The following is an entry in ClinVar:

NM_032242.4(PLXNA1):c.4217G>A (p.Gly1406Asp)

Gene: PLXNA1 (plexin A1; plus strand). Cytogenetic location: 3q21.3.
Variant type: single nucleotide variant.
Coding change: c.4217G>A on transcript NM_032242.4 (MANE Select); coding-DNA position 4217, G replaced by A.
Protein change: p.Gly1406Asp; replaces glycine 1406 with aspartic acid.
Molecular consequence: missense variant.
Genome position (GRCh38, 1-based): chr3:127,022,263, G>A. VCF-style: chr3-127022263-G-A. GRCh37 (hg19) VCF-style: chr3-126741106-G-A.
Other names: short protein forms G1406D.
Identifiers: ClinVar variation 4985128 (VCV004985128.1).
Genomic context (GRCh38, chr3:127,022,263, plus strand): 5'-GCGGGAATGTGGCCTCGCTCATCATGACGGCCCTGCAGGGCGAGATGGAATACGCCACAG[G>A]CGTGCTCAAGCAGCTGCTTTCCGACCTCATCGAGAAGAACCTGGAGAGCAAGAACCACCC-3'
Protein context (NP_115618.3, residues 1396-1416): ALQGEMEYAT[Gly1406Asp]VLKQLLSDLI

ClinVar aggregate classification (germline): Uncertain significance (1 of 4 stars; one submission).

Conditions:
PLXNA1-related disorder. Also called: PLXNA1-related condition.

Submission:

PreventionGenetics, part of Exact Sciences
Classification: Uncertain significance for PLXNA1-related condition. Last evaluated: 2025-08-25. Review status: criteria provided, single submitter. Criteria: ACMG Guidelines, 2015. Collection method: clinical testing. Allele origin: germline.
Comment: The PLXNA1 c.4217G>A variant is predicted to result in the amino acid substitution p.Gly1406Asp. To our knowledge, this variant has not been reported in the literature. This variant is reported in 0.0071% of alleles in individuals of European (Non-Finnish) descent in gnomAD. At this time, the clinical significance of this variant is uncertain due to the absence of conclusive functional and genetic evidence.